The following is an entry in ClinVar:

NM_001083961.2(WDR62):c.1128C>A (p.Cys376Ter)

Gene: WDR62 (WD repeat domain 62; plus strand). Cytogenetic location: 19q13.12.
Variant type: single nucleotide variant.
Coding change: c.1128C>A on transcript NM_001083961.2 (MANE Select); coding-DNA position 1128, C replaced by A.
Protein change: p.Cys376Ter; replaces cysteine 376 with a stop codon.
Molecular consequence: nonsense. On other transcripts: intron variant (1).
Genome position (GRCh38, 1-based): chr19:36,073,426, C>A. VCF-style: chr19-36073426-C-A. GRCh37 (hg19) VCF-style: chr19-36564328-C-A.
Other names: c.1113C>A, p.Cys371Ter (NM_001411145.1); c.1128C>A, p.Cys376Ter (NM_001411146.1, NM_173636.5); c.882+5416C>A (NM_001411147.1); short protein forms C371*, C376*.
Identifiers: ClinVar variation 4686662 (VCV004686662.1).

ClinVar aggregate classification (germline): Likely pathogenic (1 of 4 stars; one submission).

Conditions:
Microcephaly 2, primary, autosomal recessive, with or without cortical malformations. Also called: MICROCEPHALY 2, PRIMARY, AUTOSOMAL RECESSIVE, WITH CORTICAL MALFORMATIONS; WDR62 Primary Microcephaly. Identifiers: Orphanet 2512, MedGen C1858535, MONDO:0011435, OMIM 604317.

Submission:

Department of Obstetrics, The Second Affiliated Hospital of Guangzhou Medical University
Classification: Likely pathogenic for Microcephaly 2, primary, autosomal recessive, with or without cortical malformations. Last evaluated: 2023-04-25. Review status: criteria provided, single submitter. Criteria: ACMG Guidelines, 2015. Collection method: clinical testing. Allele origin: paternal. Inheritance: Autosomal recessive inheritance. Affected: yes. Observed: 1 variant allele, 1 compound heterozygote.
Comment: The c.1128C>A variant has an ultrarare allele frequency (MAF < 0.0004%) in the gnomAD database. Bioinformatic analysis predicted that this variant creates a nonsense variant (p.Cys376*) in exon 9 of the WDR62 gene, introducing a premature termination codon that is likely to trigger nonsense-mediated mRNA decay through canonical surveillance mechanisms. Accordingly, c.1128C>A (p.Cys376*) was classified as “LP” on the basis of ACMG/AMP criteria: PVS1 and PM2_Supporting.

Literature cited by the submitters: PubMed 30192042.